The following is an entry in ClinVar:

ClinVar aggregate classification (germline): Uncertain significance (1 of 4 stars; one submission).

Submission:

GeneDx
Classification: Uncertain significance. Last evaluated: 2022-10-25. Review status: criteria provided, single submitter. Criteria: GeneDx Variant Classification Process June 2021. Collection method: clinical testing. Allele origin: germline.
Comment: Not observed at significant frequency in large population cohorts (gnomAD); In-frame deletion of 1 amino acid in a non-repeat region; In silico analysis supports a deleterious effect on protein structure/function; Has not been previously published as pathogenic or benign to our knowledge

NM_013275.6(ANKRD11):c.1778_1780del (p.Arg593del)

Gene: ANKRD11 (ankyrin repeat domain 11; minus strand). Cytogenetic location: 16q24.3.
Variant type: Deletion.
Coding change: c.1778_1780del on transcript NM_013275.6 (MANE Select); coding-DNA positions 1778 to 1780, 3 bases deleted (GGA; older notation c.1778_1780delGGA).
Protein change: p.Arg593del; deletes arginine 593.
Molecular consequence: inframe deletion.
Genome position (GRCh38, 1-based): chr16:89,284,762-89,284,764, TCC deleted on the plus strand (GGA on the coding strand, the reverse complement: ANKRD11 is on the minus strand); deleting any 3 consecutive bases within chr16:89,284,762-89,284,766 gives the same sequence; the c. name uses the placement nearest the transcript's 3' end. VCF-style (leftmost placement, unchanged base first): chr16-89284761-TTCC-T. GRCh37 (hg19) VCF-style: chr16-89351169-TTCC-T.
Other names: c.1778_1780del, p.Arg593del (NM_001256182.2, NM_001256183.2); short protein forms R593del.
Identifiers: ClinVar variation 1699832 (VCV001699832.3), dbSNP rs2151762733, ClinGen allele CA2580092315.